The following is an entry in ClinVar:

NM_194456.1(KRIT1):c.*1363T>G

Gene: KRIT1 (KRIT1 ankyrin repeat containing; minus strand). Cytogenetic location: 7q21.2.
Variant type: single nucleotide variant.
Coding change: c.*1363T>G on transcript NM_194456.1; 1363 bases downstream of the stop codon, T replaced by G.
Molecular consequence: 3 prime UTR variant.
Genome position (GRCh38, 1-based): chr7:92,199,373, A>C on the plus strand (T>G on the coding strand, the complement: KRIT1 is on the minus strand). VCF-style: chr7-92199373-A-C. GRCh37 (hg19) VCF-style: chr7-91828687-A-C.
Other names: c.*1363T>G (NM_001013406.2, NM_001350669.1, NM_001350670.1 and 29 more transcripts).
Identifiers: ClinVar variation 360866 (VCV000360866.31), dbSNP rs148980420, ClinGen allele CA10629576.

ClinVar aggregate classification (germline): Benign/Likely benign. Review status: criteria provided, multiple submitters, no conflicts (2 of 4 stars). 3 submissions from 2 submitters: Benign (1); Likely benign (2). Last evaluated 2023-06-01.

Conditions:
Angiokeratoma corporis diffusum with arteriovenous fistulas. Identifiers: MedGen C1838141, MONDO:0010885, OMIM 600419.
Cerebral cavernous malformation (CCM). Also called: Cerebral cavernous hemangioma (type); Cerebral cavernous malformations; CAVERNOUS ANGIOMA, FAMILIAL; CAVERNOUS ANGIOMATOUS MALFORMATIONS; CEREBRAL CAPILLARY MALFORMATIONS; Cavernous Hemangioma of Brain. Identifiers: Orphanet 221061, MedGen C2919945, MONDO:0000820, OMIM 116860, HP:0033522.

Allele frequency attached by ClinVar (database versions not stated): 1000 Genomes Project 30x 0.00109; gnomAD 0.00344 and 0.00355; TOPMed 0.00315; 1000 Genomes Project 0.00080.

Submissions (3):

CeGaT Center for Human Genetics Tuebingen
Classification: Likely benign. Last evaluated: 2023-06-01. Review status: criteria provided, single submitter. Criteria: CeGaT Center For Human Genetics Tuebingen Variant Classification Criteria Version 2. Collection method: clinical testing. Allele origin: germline. Affected: yes. Observed: 3 variant alleles.
Comment: KRIT1: BS1

Illumina Laboratory Services, Illumina
Classification: Benign for Angiokeratoma corporis diffusum with arteriovenous fistulas. Last evaluated: 2018-01-13. Review status: criteria provided, single submitter. Criteria: ICSL Variant Classification Criteria 13 December 2019. Collection method: clinical testing. Allele origin: germline.
Comment: This variant was observed in the ICSL laboratory as part of a predisposition screen in an ostensibly healthy population. It had not been previously curated by ICSL or reported in the Human Gene Mutation Database (HGMD: prior to June 1st, 2018), and was therefore a candidate for classification through an automated scoring system. Utilizing variant allele frequency, disease prevalence and penetrance estimates, and inheritance mode, an automated score was calculated to assess if this variant is too frequent to cause the disease. Based on the score and internal cut-off values, a variant classified as benign is not then subjected to further curation. The score for this variant resulted in a classification of benign for this disease.

Illumina Laboratory Services, Illumina
Classification: Likely benign for Cerebral cavernous malformation. Last evaluated: 2018-01-13. Review status: criteria provided, single submitter. Criteria: ICSL Variant Classification Criteria 13 December 2019. Collection method: clinical testing. Allele origin: germline.
Comment: This variant was observed in the ICSL laboratory as part of a predisposition screen in an ostensibly healthy population. It had not been previously curated by ICSL or reported in the Human Gene Mutation Database (HGMD: prior to June 1st, 2018), and was therefore a candidate for classification through an automated scoring system. Utilizing variant allele frequency, disease prevalence and penetrance estimates, and inheritance mode, an automated score was calculated to assess if this variant is too frequent to cause the disease. Based on the score and internal cut-off values, a variant classified as likely benign is not then subjected to further curation. The score for this variant resulted in a classification of likely benign for this disease.